The following is an entry in ClinVar:

ClinVar aggregate classification (germline): Uncertain significance. Review status: criteria provided, multiple submitters, no conflicts (2 of 4 stars). 2 submissions from 2 submitters: Uncertain significance (2). Last evaluated 2024-05-10.

Conditions:
Inborn genetic diseases. Identifiers: MedGen C0950123, MeSH D030342.
Left ventricular noncompaction 8 (LVNC8). Identifiers: Orphanet 154, Orphanet 54260, MedGen C3809288, MONDO:0014152, OMIM 615373.

Allele frequency attached by ClinVar (database versions not stated): TOPMed below 0.00001; gnomAD exomes 0.00001.
gnomAD v4.1: 9 of 1,466,064 alleles (0.00061%); highest among the groups gnomAD compares: South Asian, 0.0014%; no homozygotes.

Submissions (2):

Ambry Genetics
Classification: Uncertain significance for Inborn genetic diseases. Last evaluated: 2024-05-10. Review status: criteria provided, single submitter. Criteria: Ambry Variant Classification Scheme 2023. Collection method: clinical testing. Allele origin: germline.

Labcorp Genetics (formerly Invitae), Labcorp
Classification: Uncertain significance for Left ventricular noncompaction 8. Last evaluated: 2020-12-14. Review status: criteria provided, single submitter. Criteria: Invitae Variant Classification Sherloc (09022015). Collection method: clinical testing. Allele origin: germline.
Comment: In summary, the available evidence is currently insufficient to determine the role of this variant in disease. Therefore, it has been classified as a Variant of Uncertain Significance. Algorithms developed to predict the effect of missense changes on protein structure and function (SIFT, PolyPhen-2, Align-GVGD) all suggest that this variant is likely to be disruptive, but these predictions have not been confirmed by published functional studies and their clinical significance is uncertain. This sequence change replaces proline with arginine at codon 865 of the PRDM16 protein (p.Pro865Arg). The proline residue is highly conserved and there is a moderate physicochemical difference between proline and arginine. The frequency data for this variant in the population databases is considered unreliable, as metrics indicate insufficient coverage at this position in the ExAC database. This variant has not been reported in the literature in individuals with PRDM16-related conditions.

NM_022114.4(PRDM16):c.2594C>G (p.Pro865Arg)

Gene: PRDM16 (PR/SET domain 16; plus strand). Cytogenetic location: 1p36.32.
Variant type: single nucleotide variant.
Coding change: c.2594C>G on transcript NM_022114.4 (MANE Select); coding-DNA position 2594, C replaced by G.
Protein change: p.Pro865Arg; replaces proline 865 with arginine.
Molecular consequence: missense variant.
Genome position (GRCh38, 1-based): chr1:3,412,791, C>G. VCF-style: chr1-3412791-C-G. GRCh37 (hg19) VCF-style: chr1-3329355-C-G.
Other names: c.2594C>G (NM_022114.3); c.2594C>G, p.Pro865Arg (NM_199454.3); short protein forms P865R.
Identifiers: ClinVar variation 1410254 (VCV001410254.9), dbSNP rs912508418, ClinGen allele CA16968276.